The following is an entry in ClinVar:

ClinVar aggregate classification (germline): Uncertain significance (1 of 4 stars; one submission).

Submission:

GeneDx
Classification: Uncertain significance. Last evaluated: 2025-08-31. Review status: criteria provided, single submitter. Criteria: GeneDx Variant Classification Process June 2021. Collection method: clinical testing. Allele origin: germline. Affected: yes.
Comment: Not observed at significant frequency in large population cohorts (gnomAD); In silico analysis supports that this missense variant has a deleterious effect on protein structure/function; In silico analysis is inconclusive as to whether the variant alters gene splicing. In the absence of RNA/functional studies, the actual effect of this sequence change is unknown.; Has not been previously published as pathogenic or benign to our knowledge

NM_015100.4(POGZ):c.1780G>A (p.Val594Met)

Gene: POGZ (pogo transposable element derived with ZNF domain; minus strand). Cytogenetic location: 1q21.3.
Variant type: single nucleotide variant.
Coding change: c.1780G>A on transcript NM_015100.4 (MANE Select); coding-DNA position 1780, G replaced by A.
Protein change: p.Val594Met; replaces valine 594 with methionine.
Molecular consequence: missense variant.
Genome position (GRCh38, 1-based): chr1:151,411,771, C>T on the plus strand (G>A on the coding strand, the complement: POGZ is on the minus strand). VCF-style: chr1-151411771-C-T. GRCh37 (hg19) VCF-style: chr1-151384247-C-T.
Other names: c.1753G>A, p.Val585Met (NM_001194937.2); c.1594G>A, p.Val532Met (NM_001194938.2); c.1801G>A, p.Val601Met (NM_001410860.1); c.1495G>A, p.Val499Met (NM_145796.4); c.1621G>A, p.Val541Met (NM_207171.2); short protein forms V499M, V532M, V541M, V585M, V594M, V601M.
Identifiers: ClinVar variation 3600982 (VCV003600982.2).